The following is an entry in ClinVar:

NM_012144.4(DNAI1):c.1703G>C (p.Trp568Ser)

Gene: DNAI1 (dynein axonemal intermediate chain 1; plus strand). Cytogenetic location: 9p13.3.
Variant type: single nucleotide variant.
Coding change: c.1703G>C on transcript NM_012144.4 (MANE Select); coding-DNA position 1703, G replaced by C.
Protein change: p.Trp568Ser; replaces tryptophan 568 with serine.
Molecular consequence: missense variant.
Genome position (GRCh38, 1-based): chr9:34,514,527, G>C. VCF-style: chr9-34514527-G-C. GRCh37 (hg19) VCF-style: chr9-34514525-G-C.
Other names: c.1715G>C, p.Trp572Ser (NM_001281428.2); short protein forms W568S, W572S.
Identifiers: ClinVar variation 288744 (VCV000288744.21), dbSNP rs772686744, ClinGen allele CA5034499.

ClinVar aggregate classification (germline): Conflicting classifications of pathogenicity. Review status: criteria provided, conflicting classifications (1 of 4 stars). 7 submissions from 7 submitters: Pathogenic (1); Likely pathogenic (5); Uncertain significance (1). Last evaluated 2025-08-25.

Conditions:
Primary ciliary dyskinesia. Also called: Ciliary dyskinesia. Identifiers: Orphanet 244, MedGen C0008780, MONDO:0016575, HP:0012265.
Kartagener syndrome (CILD1). Also called: IMMOTILE CILIA SYNDROME; CILIARY DYSKINESIA, PRIMARY, 1; CILIARY DYSKINESIA, PRIMARY, 1, WITH OR WITHOUT SITUS INVERSUS; POLYNESIAN BRONCHIECTASIS; Dextrocardia bronchiectasis and sinusitis; SIEWERT SYNDROME. Identifiers: Orphanet 244, MedGen C4551906, MONDO:0009484, OMIM 244400.
DNAI1-related disorder. Also called: DNAI1-related condition.

Allele frequency attached by ClinVar (database versions not stated): ExAC 0.00001; gnomAD exomes 0.00002 and 0.00003; gnomAD 0.00003; TOPMed 0.00003.
gnomAD v4.1: 52 of 1,614,002 alleles (0.0032%); highest among the groups gnomAD compares: Non-Finnish European, 0.0043%; 1 homozygote.

Submissions (7):

Labcorp Genetics (formerly Invitae), Labcorp
Classification: Pathogenic for Primary ciliary dyskinesia. Last evaluated: 2025-08-25. Review status: criteria provided, single submitter. Criteria: Invitae Variant Classification Sherloc (09022015). Collection method: clinical testing. Allele origin: germline.
Comment: This sequence change replaces tryptophan, which is neutral and slightly polar, with serine, which is neutral and polar, at codon 568 of the DNAI1 protein (p.Trp568Ser). This variant is present in population databases (rs772686744, gnomAD 0.004%). This missense change has been observed in individual(s) with primary ciliary dyskinesia (PMID: 11713099, 18434704; internal data). In at least one individual the data is consistent with being in trans (on the opposite chromosome) from a pathogenic variant. ClinVar contains an entry for this variant (Variation ID: 288744). Invitae Evidence Modeling of protein sequence and biophysical properties (such as structural, functional, and spatial information, amino acid conservation, physicochemical variation, residue mobility, and thermodynamic stability) indicates that this missense variant is expected to disrupt DNAI1 protein function with a positive predictive value of 95%. For these reasons, this variant has been classified as Pathogenic.

Natera, Inc.
Classification: Likely pathogenic for Primary ciliary dyskinesia. Last evaluated: 2025-06-23. Review status: criteria provided, single submitter. Criteria: Natera Variant Classification Schema (03/2026). Collection method: clinical testing. Allele origin: germline.
Comment: The c.1703G>C variant in DNAI1 is a missense variant predicted to cause substitution of tryptophan to serine at amino acid 568. This variant is rare in the general population with a frequency below the threshold expected for the associated phenotype(s). This variant has been observed in one or more individuals affected with the associated recessive disease, as either homozygous or compound heterozygous with a second variant (PMID: 18434704, 11713099). Additionally, this variant has been observed to segregate in affected family members (PMID: 11713099). Computational prediction algorithms indicate this variant is likely to affect gene or protein function. Given the available evidence, this variant is classified as Likely Pathogenic.

PreventionGenetics, part of Exact Sciences
Classification: Likely pathogenic for DNAI1-related condition. Last evaluated: 2024-12-31. Review status: criteria provided, single submitter. Criteria: ACMG Guidelines, 2015. Collection method: clinical testing. Allele origin: germline.
Comment: The DNAI1 c.1703G>C variant is predicted to result in the amino acid substitution p.Trp568Ser. This variant, along with a second pathogenic variant in trans, was reported in three individuals from two families with primary ciliary dyskinesia (Family 5 from Zariwala et al 2001. PubMed ID: 11713099; Family GVA15 from Failly et al. 2008. PubMed ID: 18434704). All individuals had outer dynein arm defects by electron microscopy (Zariwala et al 2001. PubMed ID: 11713099; Failly et al. 2008. PubMed ID: 18434704). This variant is reported in 0.0040% of alleles in individuals of African descent in gnomAD. This variant is interpreted as likely pathogenic.

Fulgent Genetics
Classification: Likely pathogenic for Kartagener syndrome. Last evaluated: 2024-06-03. Review status: criteria provided, single submitter. Criteria: ACMG Guidelines, 2015. Collection method: clinical testing. Allele origin: germline.

GeneDx
Classification: Likely pathogenic. Last evaluated: 2024-03-22. Review status: criteria provided, single submitter. Criteria: GeneDx Variant Classification Process June 2021. Collection method: clinical testing. Allele origin: germline. Affected: yes.
Comment: In silico analysis supports that this missense variant has a deleterious effect on protein structure/function; This variant is associated with the following publications: (PMID: 17534128, 11713099, 18434704)

Eurofins Ntd Llc (ga)
Classification: Uncertain significance. Last evaluated: 2018-05-16. Review status: criteria provided, single submitter. Criteria: EGL ClinVar v180209 classification definitions. Collection method: clinical testing. Allele origin: germline. Observed: 2 variant alleles, 2 heterozygotes.

Ambry Genetics
Classification: Likely pathogenic for Primary ciliary dyskinesia. Last evaluated: 2018-01-29. Review status: criteria provided, single submitter. Criteria: Ambry Variant Classification Scheme 2023. Collection method: clinical testing. Allele origin: germline.
Comment: The p.W568S variant (also known as c.1703G>C), located in coding exon 17 of the DNAI1 gene, results from a G to C substitution at nucleotide position 1703. The tryptophan at codon 568 is replaced by serine, an amino acid with highly dissimilar properties. This variant was first described in two siblings with respiratory distress syndrome, outer dynein arm defects on electron microscopy, and a second pathogenic alteration confirmed in trans; one of the siblings also had situs inversus (Zariwala M et al. Am. J. Respir. Cell Mol. Biol., 2001 Nov;25:577-83). This variant was also detected in another individual with a clinical diagnosis of primary ciliary dyskinesia with outer arm defects on electron microscopy, in compound heterozygous state with a second DNAI1 alteration (Failly M et al. Respiration, 2008 Apr;76:198-204). This amino acid position is highly conserved in available vertebrate species. Based on data from ExAC, the C allele has an overall frequency of approximately <0.01% (1/106200). In addition, this alteration is predicted to be deleterious by in silico analysis. Based on the majority of available evidence to date, this variant is likely to be pathogenic.

Literature cited by the submitters: PubMed 11713099 (cited by 4 submitters); PubMed 18434704 (cited by 3 submitters).